The following is an entry in ClinVar:

ClinVar aggregate classification (germline): Uncertain significance (1 of 4 stars; one submission).

Conditions:
Kleefstra syndrome 1 (KLEFS1). Identifiers: Orphanet 261494, MedGen C0795833, MONDO:0027407, OMIM 610253.

Submission:

Labcorp Genetics (formerly Invitae), Labcorp
Classification: Uncertain significance for Kleefstra syndrome 1. Last evaluated: 2020-10-29. Review status: criteria provided, single submitter. Criteria: Invitae Variant Classification Sherloc (09022015). Collection method: clinical testing. Allele origin: germline.
Comment: In summary, the available evidence is currently insufficient to determine the role of this variant in disease. Therefore, it has been classified as a Variant of Uncertain Significance. Algorithms developed to predict the effect of missense changes on protein structure and function are either unavailable or do not agree on the potential impact of this missense change (SIFT: "Not Available"; PolyPhen-2: "Possibly Damaging"; Align-GVGD: "Not Available"). This variant has not been reported in the literature in individuals with EHMT1-related conditions. The frequency data for this variant in the population databases is not available, as this variant may be reported as separate entries in the ExAC database. This sequence change replaces alanine with asparagine at codon 441 of the EHMT1 protein (p.Ala441Asn). The alanine residue is weakly conserved and there is a moderate physicochemical difference between alanine and asparagine.

NM_024757.5(EHMT1):c.1321_1322delinsAA (p.Ala441Asn)

Gene: EHMT1 (euchromatic histone lysine methyltransferase 1; plus strand). Cytogenetic location: 9q34.3.
Variant type: Indel.
Coding change: c.1321_1322delinsAA on transcript NM_024757.5 (MANE Select); coding-DNA positions 1321 to 1322, GC replaced by AA.
Protein change: p.Ala441Asn; replaces alanine 441 with asparagine.
Molecular consequence: missense variant.
Genome position (GRCh38, 1-based): chr9:137,754,243-137,754,244, GC replaced by AA. VCF-style: chr9-137754243-GC-AA. GRCh37 (hg19) VCF-style: chr9-140648695-GC-AA.
Other names: c.1321_1322delinsAA, p.Ala441Asn (NM_001145527.2, NM_001354611.2); c.1228_1229delinsAA, p.Ala410Asn (NM_001354259.2, NM_001354612.2); c.1300_1301delinsAA, p.Ala434Asn (NM_001354263.2); short protein forms A410N, A441N, A434N.
Identifiers: ClinVar variation 1035027 (VCV001035027.7), dbSNP rs1949206518, ClinGen allele CA1884655367.